The following is an entry in ClinVar:

NM_033380.3(COL4A5):c.4087+5G>C

Gene: COL4A5 (collagen type IV alpha 5 chain; plus strand). Cytogenetic location: Xq22.3.
Variant type: single nucleotide variant.
Coding change: c.4087+5G>C on transcript NM_033380.3 (MANE Select); 5 bases into the intron after coding-DNA position 4087, G replaced by C.
Molecular consequence: intron variant.
Genome position (GRCh38, 1-based): chrX:108,680,961, G>C. VCF-style: chrX-108680961-G-C. GRCh37 (hg19) VCF-style: chrX-107924191-G-C.
Other names: c.4069+5G>C (NM_000495.5).
Identifiers: ClinVar variation 3369702 (VCV003369702.1).

ClinVar aggregate classification (germline): Uncertain significance (1 of 4 stars; one submission).

Submission:

GeneDx
Classification: Uncertain significance. Last evaluated: 2024-02-28. Review status: criteria provided, single submitter. Criteria: GeneDx Variant Classification Process June 2021. Collection method: clinical testing. Allele origin: germline. Affected: yes.
Comment: Not observed at significant frequency in large population cohorts (gnomAD); In silico analysis supports that this variant does not alter splicing; Has not been previously published as pathogenic or benign to our knowledge